The following is an entry in ClinVar:

NM_000038.6(APC):c.1205G>T (p.Arg402Leu)

Gene: APC (APC regulator of Wnt signaling pathway; plus strand). Cytogenetic location: 5q22.2.
Variant type: single nucleotide variant.
Coding change: c.1205G>T on transcript NM_000038.6 (MANE Select); coding-DNA position 1205, G replaced by T.
Protein change: p.Arg402Leu; replaces arginine 402 with leucine.
Molecular consequence: missense variant. On other transcripts: intron variant (4).
Genome position (GRCh38, 1-based): chr5:112,819,237, G>T. VCF-style: chr5-112819237-G-T. GRCh37 (hg19) VCF-style: chr5-112154934-G-T.
Other names: c.1205G>T, p.Arg402Leu (NM_001127510.3, NM_001354895.2, NM_001354896.2 and 4 more transcripts); c.1151G>T, p.Arg384Leu (NM_001127511.3); c.1235G>T, p.Arg412Leu (NM_001354897.2, NM_001407446.1); c.1130G>T, p.Arg377Leu (NM_001354898.2, NM_001407451.1); c.1121G>T, p.Arg374Leu (NM_001354899.2, NM_001407452.1); c.1028G>T, p.Arg343Leu (NM_001354900.2, NM_001354901.2, NM_001407453.1); c.356G>T, p.Arg119Leu (NM_001354906.2, NM_001407470.1); c.964-32G>T (NM_001354902.2); and 3 more; short protein forms R402L, R119L, R343L, R374L, R377L, R384L, R412L.
Identifiers: ClinVar variation 2111574 (VCV002111574.4), dbSNP rs878853416, ClinGen allele CA16023943.
Genomic context (GRCh38, chr5:112,819,237, plus strand): 5'-GGGCCAGTGCAGCACTCCACAACATCATTCACTCACAGCCTGATGACAAGAGAGGCAGGC[G>T]TGAAATCCGAGTCCTTCATCTTTTGGAACAGATACGCGCTTACTGTGAAACCTGTTGGGA-3'
Protein context (NP_000029.2, residues 392-412): HSQPDDKRGR[Arg402Leu]EIRVLHLLEQ

ClinVar aggregate classification (germline): Uncertain significance (1 of 4 stars; one submission).

Conditions:
Familial adenomatous polyposis 1 (FAP1). Also called: POLYPOSIS, ADENOMATOUS INTESTINAL; FAMILIAL ADENOMATOUS POLYPOSIS 1, ATTENUATED. Identifiers: MedGen C2713442, MONDO:0021056, OMIM 175100. Disease mechanism: loss of function.

gnomAD v4.1: 1 of 1,613,908 alleles (0.000062%); highest among the groups gnomAD compares: African/African-American, 0.0013%; no homozygotes.

Submission:

Labcorp Genetics (formerly Invitae), Labcorp
Classification: Uncertain significance for Familial adenomatous polyposis 1. Last evaluated: 2022-06-23. Review status: criteria provided, single submitter. Criteria: Invitae Variant Classification Sherloc (09022015). Collection method: clinical testing. Allele origin: germline.
Comment: In summary, the available evidence is currently insufficient to determine the role of this variant in disease. Therefore, it has been classified as a Variant of Uncertain Significance. Algorithms developed to predict the effect of missense changes on protein structure and function are either unavailable or do not agree on the potential impact of this missense change (SIFT: "Deleterious"; PolyPhen-2: "Benign"; Align-GVGD: "Class C15"). This variant has not been reported in the literature in individuals affected with APC-related conditions. This variant is present in population databases (no rsID available, gnomAD 0.007%). This sequence change replaces arginine, which is basic and polar, with leucine, which is neutral and non-polar, at codon 402 of the APC protein (p.Arg402Leu).